The following is an entry in ClinVar:

ClinVar aggregate classification (germline): Uncertain significance. Review status: criteria provided, multiple submitters, no conflicts (2 of 4 stars). 2 submissions from 2 submitters: Uncertain significance (2). Last evaluated 2026-02-26.

Conditions:
Cardiovascular phenotype. Identifiers: MedGen CN230736.

Submissions (2):

GeneDx
Classification: Uncertain significance. Last evaluated: 2026-02-26. Review status: criteria provided, single submitter. Criteria: GeneDx Variant Classification Process June 2021. Collection method: clinical testing. Allele origin: germline.
Comment: Not observed at significant frequency in large population cohorts (gnomAD); In silico analysis suggests that this missense variant does not alter protein structure/function; Has not been previously published as pathogenic or benign to our knowledge

Ambry Genetics
Classification: Uncertain significance for Cardiovascular phenotype. Last evaluated: 2023-09-23. Review status: criteria provided, single submitter. Criteria: Ambry Variant Classification Scheme 2023. Collection method: clinical testing. Allele origin: germline.
Comment: The p.G1227A variant (also known as c.3680G>C), located in coding exon 23 of the APOB gene, results from a G to C substitution at nucleotide position 3680. The glycine at codon 1227 is replaced by alanine, an amino acid with similar properties. This amino acid position is conserved. In addition, this alteration is predicted to be tolerated by in silico analysis. Since supporting evidence is limited at this time, the clinical significance of this alteration remains unclear.

NM_000384.3(APOB):c.3680G>C (p.Gly1227Ala)

Gene: APOB (apolipoprotein B; minus strand). Cytogenetic location: 2p24.1.
Variant type: single nucleotide variant.
Coding change: c.3680G>C on transcript NM_000384.3 (MANE Select); coding-DNA position 3680, G replaced by C.
Protein change: p.Gly1227Ala; replaces glycine 1227 with alanine.
Molecular consequence: missense variant.
Genome position (GRCh38, 1-based): chr2:21,015,089, C>G on the plus strand (G>C on the coding strand, the complement: APOB is on the minus strand). VCF-style: chr2-21015089-C-G. GRCh37 (hg19) VCF-style: chr2-21237961-C-G.
Other names: short protein forms G1227A.
Identifiers: ClinVar variation 3231402 (VCV003231402.2), dbSNP rs776758783, ClinGen allele CA346008535.